The following is an entry in ClinVar:

ClinVar aggregate classification (germline): Uncertain significance (1 of 4 stars; one submission).

Conditions:
Inborn genetic diseases. Identifiers: MedGen C0950123, MeSH D030342.

Submission:

Ambry Genetics
Classification: Uncertain significance for Inborn genetic diseases. Last evaluated: 2021-10-26. Review status: criteria provided, single submitter. Criteria: Ambry Variant Classification Scheme 2023. Collection method: clinical testing. Allele origin: germline.
Comment: The p.I1775N variant (also known as c.5324T>A), located in coding exon 37 of the LRRK2 gene, results from a T to A substitution at nucleotide position 5324. The isoleucine at codon 1775 is replaced by asparagine, an amino acid with dissimilar properties. This amino acid position is conserved. In addition, this alteration is predicted to be tolerated by in silico analysis. Since supporting evidence is limited at this time, the clinical significance of this alteration remains unclear.

NM_198578.4(LRRK2):c.5324T>A (p.Ile1775Asn)

Gene: LRRK2 (leucine rich repeat kinase 2; plus strand). Cytogenetic location: 12q12.
Variant type: single nucleotide variant.
Coding change: c.5324T>A on transcript NM_198578.4 (MANE Select); coding-DNA position 5324, T replaced by A.
Protein change: p.Ile1775Asn; replaces isoleucine 1775 with asparagine.
Molecular consequence: missense variant.
Genome position (GRCh38, 1-based): chr12:40,322,325, T>A. VCF-style: chr12-40322325-T-A. GRCh37 (hg19) VCF-style: chr12-40716127-T-A.
Other names: short protein forms I1775N.
Identifiers: ClinVar variation 1746843 (VCV001746843.2), dbSNP rs2499884885, ClinGen allele CA384420506.